The following is an entry in ClinVar:

ClinVar aggregate classification (germline): Uncertain significance (1 of 4 stars; one submission).

Submission:

Ambry Genetics
Classification: Uncertain significance. Last evaluated: 2025-05-02. Review status: criteria provided, single submitter. Criteria: Ambry Variant Classification Scheme 2023. Collection method: clinical testing. Allele origin: germline.
Comment: The p.Q200E variant (also known as c.598C>G), located in coding exon 1 of the MLH3 gene, results from a C to G substitution at nucleotide position 598. The glutamine at codon 200 is replaced by glutamic acid, an amino acid with highly similar properties. This amino acid position is conserved. In addition, this alteration is predicted to be deleterious by in silico analysis. Based on the available evidence, the clinical significance of this variant remains unclear.

NM_001040108.2(MLH3):c.598C>G (p.Gln200Glu)

Gene: MLH3 (mutL homolog 3; minus strand). Cytogenetic location: 14q24.3.
Variant type: single nucleotide variant.
Coding change: c.598C>G on transcript NM_001040108.2 (MANE Select); coding-DNA position 598, C replaced by G.
Protein change: p.Gln200Glu; replaces glutamine 200 with glutamic acid.
Molecular consequence: missense variant.
Genome position (GRCh38, 1-based): chr14:75,049,058, G>C on the plus strand (C>G on the coding strand, the complement: MLH3 is on the minus strand). VCF-style: chr14-75049058-G-C. GRCh37 (hg19) VCF-style: chr14-75515761-G-C.
Other names: c.598C>G, p.Gln200Glu (NM_014381.3); short protein forms Q200E.
Identifiers: ClinVar variation 4055495 (VCV004055495.1).
Genomic context (GRCh38, chr14:75,049,058, plus strand): 5'-ACTTTCCCAATCCATAAATTTGACAAAATCGGGAACATACGTCTTTGGTTTTAGGGAGCT[G>C]AAGAACCATGGAACCAGAAACATCATTTCTCAAAGAGAAAGAAATGGAAGGGTGCATGAG-3'
Protein context (NP_001035197.1, residues 190-210): RNDVSGSMVL[Gln200Glu]LPKTKDVCSR